The following is an entry in ClinVar:

NM_020631.6(PLEKHG5):c.-31C>T

Genes: PLEKHG5 (pleckstrin homology and RhoGEF domain containing G5; minus strand), LOC126805598 (MED14-independent group 3 enhancer GRCh37_chr1:6536823-6538022; plus strand). Cytogenetic location: 1p36.31.
Variant type: single nucleotide variant.
Coding change: c.-31C>T on transcript NM_020631.6 (MANE Select); 31 bases upstream of the start codon, C replaced by T.
Molecular consequence: 5 prime UTR variant. On other transcripts: synonymous variant (3).
Genome position (GRCh38, 1-based): chr1:6,477,602, G>A on the plus strand (C>T on the coding strand, the complement: PLEKHG5 is on the minus strand). VCF-style: chr1-6477602-G-A. GRCh37 (hg19) VCF-style: chr1-6537662-G-A.
Other names: c.81C>T, p.Cys27= (NM_001042663.3, NM_001265592.2); c.-31C>T (NM_001042664.2, NM_001042665.2, NM_001265594.3 and 1 more transcripts); c.177C>T, p.Cys59= (NM_001265593.2).
Identifiers: ClinVar variation 4981826 (VCV004981826.1).

ClinVar aggregate classification (germline): Likely benign (1 of 4 stars; one submission).

Conditions:
PLEKHG5-related disorder. Also called: PLEKHG5-related condition.

gnomAD v4.1: 57 of 1,611,194 alleles (0.0035%); highest among the groups gnomAD compares: Middle Eastern, 0.016%; no homozygotes.

Submission:

PreventionGenetics, part of Exact Sciences
Classification: Likely benign for PLEKHG5-related condition. Last evaluated: 2025-08-12. Review status: criteria provided, single submitter. Criteria: ACMG Guidelines, 2015. Collection method: clinical testing. Allele origin: germline.
Comment: This variant is classified as likely benign based on ACMG/AMP sequence variant interpretation guidelines (Richards et al. 2015 PMID: 25741868, with internal and published modifications).